The following is an entry in ClinVar:

ClinVar aggregate classification (germline): Uncertain significance (1 of 4 stars; one submission).

Allele frequency attached by ClinVar (database versions not stated): gnomAD exomes below 0.00001.
gnomAD v4.1: 1 of 1,613,894 alleles (0.000062%); highest among the groups gnomAD compares: Admixed American, 0.0017%; no homozygotes.

Submission:

Labcorp Genetics (formerly Invitae), Labcorp
Classification: Uncertain significance. Last evaluated: 2024-11-11. Review status: criteria provided, single submitter. Criteria: Invitae Variant Classification Sherloc (09022015). Collection method: clinical testing. Allele origin: germline.
Comment: This sequence change replaces aspartic acid, which is acidic and polar, with histidine, which is basic and polar, at codon 1316 of the DOCK6 protein (p.Asp1316His). This variant is not present in population databases (gnomAD no frequency). This variant has not been reported in the literature in individuals affected with DOCK6-related conditions. ClinVar contains an entry for this variant (Variation ID: 2111984). Invitae Evidence Modeling of protein sequence and biophysical properties (such as structural, functional, and spatial information, amino acid conservation, physicochemical variation, residue mobility, and thermodynamic stability) indicates that this missense variant is not expected to disrupt DOCK6 protein function with a negative predictive value of 80%. Algorithms developed to predict the effect of sequence changes on RNA splicing suggest that this variant may create or strengthen a splice site. In summary, the available evidence is currently insufficient to determine the role of this variant in disease. Therefore, it has been classified as a Variant of Uncertain Significance.

NM_020812.4(DOCK6):c.3946G>C (p.Asp1316His)

Genes: DOCK6 (dedicator of cytokinesis 6; minus strand), DOCK6-AS1 (DOCK6 antisense RNA 1; plus strand). Cytogenetic location: 19p13.2.
Variant type: single nucleotide variant.
Coding change: c.3946G>C on transcript NM_020812.4 (MANE Select); coding-DNA position 3946, G replaced by C.
Protein change: p.Asp1316His; replaces aspartic acid 1316 with histidine.
Molecular consequence: missense variant.
Genome position (GRCh38, 1-based): chr19:11,215,876, C>G on the plus strand (G>C on the coding strand, the complement: DOCK6 is on the minus strand). VCF-style: chr19-11215876-C-G. GRCh37 (hg19) VCF-style: chr19-11326552-C-G.
Other names: c.4051G>C, p.Asp1351His (NM_001367830.1); short protein forms D1316H, D1351H.
Identifiers: ClinVar variation 2111984 (VCV002111984.4), dbSNP rs2513004930, ClinGen allele CA404084529.
Genomic context (GRCh38, chr19:11,215,876, plus strand): 5'-CCATTTCTTGTCGAGCTCCGATGGTACCCAGAATGGCTTCCTCTAGCCGCGCCTTCATAT[C>G]CAGAGATTTTTTGAATGTGAGGCTGTTGATGCGTTCAAAGGCCTTTTTCCCCTGGGGGTG-3'
Protein context (NP_065863.2, residues 1306-1326): INSLTFKKSL[Asp1316His]MKARLEEAIL